The following is an entry in ClinVar:

ClinVar aggregate classification (germline): Likely benign (1 of 4 stars; one submission).

gnomAD v4.1: 1 of 1,613,260 alleles (0.000062%); no homozygotes.

Submission:

CeGaT Center for Human Genetics Tuebingen
Classification: Likely benign. Last evaluated: 2026-07-01. Review status: criteria provided, single submitter. Criteria: CeGaT Center For Human Genetics Tuebingen Variant Classification Criteria Version 2. Collection method: clinical testing. Allele origin: germline. Affected: yes. Observed: 1 variant allele.
Comment: CCDC88C: BP4, BP7

NM_001080414.4(CCDC88C):c.3486G>A (p.Ala1162=)

Gene: CCDC88C (coiled-coil and HOOK domain protein 88C; minus strand). Cytogenetic location: 14q32.11.
Variant type: single nucleotide variant.
Coding change: c.3486G>A on transcript NM_001080414.4 (MANE Select); coding-DNA position 3486, G replaced by A.
Protein change: p.Ala1162=; no amino-acid change (alanine 1162 retained).
Molecular consequence: synonymous variant. On other transcripts: non-coding transcript variant (2).
Genome position (GRCh38, 1-based): chr14:91,303,850, C>T on the plus strand (G>A on the coding strand, the complement: CCDC88C is on the minus strand). VCF-style: chr14-91303850-C-T. GRCh37 (hg19) VCF-style: chr14-91770194-C-T.
Identifiers: ClinVar variation 5040143 (VCV005040143.1).